The following is an entry in ClinVar:

NM_001457.4(FLNB):c.5745C>A (p.Cys1915Ter)

Gene: FLNB (filamin B; plus strand). Cytogenetic location: 3p14.3.
Variant type: single nucleotide variant.
Coding change: c.5745C>A on transcript NM_001457.4 (MANE Select); coding-DNA position 5745, C replaced by A.
Protein change: p.Cys1915Ter; replaces cysteine 1915 with a stop codon.
Molecular consequence: nonsense.
Genome position (GRCh38, 1-based): chr3:58,148,222, C>A. VCF-style: chr3-58148222-C-A. GRCh37 (hg19) VCF-style: chr3-58133949-C-A.
Other names: c.5838C>A, p.Cys1946Ter (NM_001164317.2); c.5712C>A, p.Cys1904Ter (NM_001164318.2); c.5673C>A, p.Cys1891Ter (NM_001164319.2); short protein forms C1891*, C1904*, C1915*, C1946*.
Identifiers: ClinVar variation 2032895 (VCV002032895.4), dbSNP rs200335307, ClinGen allele CA353355512.

ClinVar aggregate classification (germline): Pathogenic (1 of 4 stars; one submission).

Allele frequency attached by ClinVar (database versions not stated): gnomAD exomes below 0.00001.
gnomAD v4.1: 2 of 1,614,232 alleles (0.00012%); highest among the groups gnomAD compares: Non-Finnish European, 0.00017%; no homozygotes.

Submission:

Labcorp Genetics (formerly Invitae), Labcorp
Classification: Pathogenic. Last evaluated: 2022-09-27. Review status: criteria provided, single submitter. Criteria: Invitae Variant Classification Sherloc (09022015). Collection method: clinical testing. Allele origin: germline.
Comment: For these reasons, this variant has been classified as Pathogenic. This variant has not been reported in the literature in individuals affected with FLNB-related conditions. This variant is not present in population databases (gnomAD no frequency). This sequence change creates a premature translational stop signal (p.Cys1915*) in the FLNB gene. It is expected to result in an absent or disrupted protein product. Loss-of-function variants in FLNB are known to be pathogenic (PMID: 14991055).

Literature cited by the submitters: PubMed 14991055.